The following is an entry in ClinVar:

ClinVar aggregate classification (germline): Benign (1 of 4 stars; one submission).

Conditions:
Xeroderma pigmentosum, group F (XPF). Also called: XERODERMA PIGMENTOSUM, COMPLEMENTATION GROUP F; XERODERMA PIGMENTOSUM VI; XP, GROUP F; ERCC4-Related Xeroderma Pigmentosum; XERODERMA PIGMENTOSUM, TYPE F; Xeroderma pigmentosum, type 6. Identifiers: MedGen C0268140, MONDO:0010215, OMIM 278760.

Allele frequency attached by ClinVar (database versions not stated): gnomAD exomes 0.00432; gnomAD 0.02119 and 0.02273; 1000 Genomes Project 0.02196; TOPMed 0.02368; 1000 Genomes Project 30x 0.02436.
gnomAD v4.1: 3,573 of 232,842 alleles (1.5%); highest among the groups gnomAD compares: African/African-American, 7.2%; 128 homozygotes.

Submission:

Illumina Laboratory Services, Illumina
Classification: Benign for Xeroderma pigmentosum, group F. Last evaluated: 2018-01-13. Review status: criteria provided, single submitter. Criteria: ICSL Variant Classification Criteria 13 December 2019. Collection method: clinical testing. Allele origin: germline.
Comment: This variant was observed in the ICSL laboratory as part of a predisposition screen in an ostensibly healthy population. It had not been previously curated by ICSL or reported in the Human Gene Mutation Database (HGMD: prior to June 1st, 2018), and was therefore a candidate for classification through an automated scoring system. Utilizing variant allele frequency, disease prevalence and penetrance estimates, and inheritance mode, an automated score was calculated to assess if this variant is too frequent to cause the disease. Based on the score and internal cut-off values, a variant classified as benign is not then subjected to further curation. The score for this variant resulted in a classification of benign for this disease.

NM_005236.3(ERCC4):c.*674G>C

Gene: ERCC4 (ERCC excision repair 4, endonuclease catalytic subunit; plus strand). Cytogenetic location: 16p13.12.
Variant type: single nucleotide variant.
Coding change: c.*674G>C on transcript NM_005236.3 (MANE Select); 674 bases downstream of the stop codon, G replaced by C.
Molecular consequence: 3 prime UTR variant.
Genome position (GRCh38, 1-based): chr16:13,949,021, G>C. VCF-style: chr16-13949021-G-C. GRCh37 (hg19) VCF-style: chr16-14042878-G-C.
Identifiers: ClinVar variation 317833 (VCV000317833.5), dbSNP rs1651204, ClinGen allele CA10647756.